The following is an entry in ClinVar:

ClinVar aggregate classification (germline): Uncertain significance (1 of 4 stars; one submission).

Allele frequency attached by ClinVar (database versions not stated): gnomAD exomes 0.00001.
gnomAD v4.1: 8 of 1,613,938 alleles (0.0005%); highest among the groups gnomAD compares: Non-Finnish European, 0.00059%; no homozygotes.

Submission:

Labcorp Genetics (formerly Invitae), Labcorp
Classification: Uncertain significance. Last evaluated: 2023-11-27. Review status: criteria provided, single submitter. Criteria: Invitae Variant Classification Sherloc (09022015). Collection method: clinical testing. Allele origin: germline.
Comment: This sequence change replaces glutamine, which is neutral and polar, with histidine, which is basic and polar, at codon 118 of the IL6R protein (p.Gln118His). This variant is present in population databases (no rsID available, gnomAD 0.007%). This variant has not been reported in the literature in individuals affected with IL6R-related conditions. ClinVar contains an entry for this variant (Variation ID: 1516121). Algorithms developed to predict the effect of missense changes on protein structure and function output the following: SIFT: "Not Available"; PolyPhen-2: "Benign"; Align-GVGD: "Not Available". The histidine amino acid residue is found in multiple mammalian species, which suggests that this missense change does not adversely affect protein function. In summary, the available evidence is currently insufficient to determine the role of this variant in disease. Therefore, it has been classified as a Variant of Uncertain Significance.

NM_000565.4(IL6R):c.354G>C (p.Gln118His)

Gene: IL6R (interleukin 6 receptor; plus strand). Cytogenetic location: 1q21.3.
Variant type: single nucleotide variant.
Coding change: c.354G>C on transcript NM_000565.4 (MANE Select); coding-DNA position 354, G replaced by C.
Protein change: p.Gln118His; replaces glutamine 118 with histidine.
Molecular consequence: missense variant. On other transcripts: intron variant (1).
Genome position (GRCh38, 1-based): chr1:154,430,502, G>C. VCF-style: chr1-154430502-G-C. GRCh37 (hg19) VCF-style: chr1-154402978-G-C.
Other names: c.354G>C, p.Gln118His (NM_001206866.2, NM_001382769.1, NM_001382770.1 and 4 more transcripts); c.126+1266G>C (NM_001382774.1); short protein forms Q118H.
Identifiers: ClinVar variation 1516121 (VCV001516121.6), dbSNP rs1231135963, ClinGen allele CA342606739.